The following is an entry in ClinVar:

ClinVar aggregate classification (germline): Uncertain significance (1 of 4 stars; one submission).

Conditions:
Hereditary cancer-predisposing syndrome. Also called: Tumor predisposition; Hereditary neoplastic syndrome; Neoplastic Syndromes, Hereditary; Hereditary Cancer Syndrome. Identifiers: Orphanet 140162, MedGen C0027672, MeSH D009386, MONDO:0015356.

gnomAD v4.1: 5 of 1,611,672 alleles (0.00031%); highest among the groups gnomAD compares: Non-Finnish European, 0.00042%; no homozygotes.

Submission:

Ambry Genetics
Classification: Uncertain significance for Hereditary cancer-predisposing syndrome. Last evaluated: 2025-03-31. Review status: criteria provided, single submitter. Criteria: Ambry Variant Classification Scheme 2023. Collection method: clinical testing. Allele origin: germline.
Comment: The p.N43D variant (also known as c.127A>G), located in coding exon 2 of the CTNNA1 gene, results from an A to G substitution at nucleotide position 127. The asparagine at codon 43 is replaced by aspartic acid, an amino acid with highly similar properties. This amino acid position is conserved. In addition, this alteration is predicted to be tolerated by in silico analysis. Based on the available evidence, the clinical significance of this variant remains unclear.

NM_001903.5(CTNNA1):c.127A>G (p.Asn43Asp)

Gene: CTNNA1 (catenin alpha 1; plus strand). Cytogenetic location: 5q31.2.
Variant type: single nucleotide variant.
Coding change: c.127A>G on transcript NM_001903.5 (MANE Select); coding-DNA position 127, A replaced by G.
Protein change: p.Asn43Asp; replaces asparagine 43 with aspartic acid.
Molecular consequence: missense variant. On other transcripts: 5 prime UTR variant (1), intron variant (1).
Genome position (GRCh38, 1-based): chr5:138,783,198, A>G. VCF-style: chr5-138783198-A-G. GRCh37 (hg19) VCF-style: chr5-138118887-A-G.
Other names: c.127A>G, p.Asn43Asp (NM_001290307.3, NM_001323982.2, NM_001323983.1 and 3 more transcripts); c.-80A>G (NM_001290310.3); c.-9+1169A>G (NM_001290309.3); short protein forms N43D.
Identifiers: ClinVar variation 4007967 (VCV004007967.1).